The following is an entry in ClinVar:

NM_001378778.1(MPDZ):c.2362C>A (p.Pro788Thr)

Gene: MPDZ (multiple PDZ domain crumbs cell polarity complex component; minus strand). Cytogenetic location: 9p23.
Variant type: single nucleotide variant.
Coding change: c.2362C>A on transcript NM_001378778.1 (MANE Select); coding-DNA position 2362, C replaced by A.
Protein change: p.Pro788Thr; replaces proline 788 with threonine.
Molecular consequence: missense variant.
Genome position (GRCh38, 1-based): chr9:13,188,786, G>T on the plus strand (C>A on the coding strand, the complement: MPDZ is on the minus strand). VCF-style: chr9-13188786-G-T. GRCh37 (hg19) VCF-style: chr9-13188785-G-T.
Other names: c.2362C>A, p.Pro788Thr (NM_001261406.2, NM_001261407.2, NM_001330637.2 and 14 more transcripts); c.2362C>A (NM_003829.3); short protein forms P788T.
Identifiers: ClinVar variation 1600205 (VCV001600205.13), dbSNP rs111794040, ClinGen allele CA4987494.

ClinVar aggregate classification (germline): Benign/Likely benign. Review status: criteria provided, multiple submitters, no conflicts (2 of 4 stars). 3 submissions from 3 submitters: Benign (1); Likely benign (2). Last evaluated 2026-01-01.

Conditions:
Inborn genetic diseases. Identifiers: MedGen C0950123, MeSH D030342.

Allele frequency attached by ClinVar (database versions not stated): gnomAD 0.00003 and 0.00027; TOPMed 0.00006; gnomAD exomes 0.00046 and 0.00091; ExAC 0.00103; 1000 Genomes Project 30x 0.00141; 1000 Genomes Project 0.00160.
gnomAD v4.1: 708 of 1,611,998 alleles (0.044%); highest among the groups gnomAD compares: South Asian, 0.74%; 10 homozygotes.

Submissions (3):

CeGaT Center for Human Genetics Tuebingen
Classification: Likely benign. Last evaluated: 2026-01-01. Review status: criteria provided, single submitter. Criteria: CeGaT Center For Human Genetics Tuebingen Variant Classification Criteria Version 2. Collection method: clinical testing. Allele origin: germline. Affected: yes. Observed: 1 variant allele.
Comment: MPDZ: BS2

Labcorp Genetics (formerly Invitae), Labcorp
Classification: Benign. Last evaluated: 2025-12-01. Review status: criteria provided, single submitter. Criteria: Invitae Variant Classification Sherloc (09022015). Collection method: clinical testing. Allele origin: germline.

Ambry Genetics
Classification: Likely benign for Inborn genetic diseases. Last evaluated: 2024-02-06. Review status: criteria provided, single submitter. Criteria: Ambry Variant Classification Scheme 2023. Collection method: clinical testing. Allele origin: germline.